The following is an entry in ClinVar:

NM_213599.3(ANO5):c.762+321T>C

Gene: ANO5 (anoctamin 5; plus strand). Cytogenetic location: 11p14.3.
Variant type: single nucleotide variant.
Coding change: c.762+321T>C on transcript NM_213599.3 (MANE Select); 321 bases into the intron after coding-DNA position 762, T replaced by C.
Molecular consequence: intron variant.
Genome position (GRCh38, 1-based): chr11:22,236,597, T>C. VCF-style: chr11-22236597-T-C. GRCh37 (hg19) VCF-style: chr11-22258143-T-C.
Other names: c.759+321T>C (NM_001142649.2).
Identifiers: ClinVar variation 673918 (VCV000673918.1), dbSNP rs10833726, ClinGen allele CA218741478.
Genomic context (GRCh38, chr11:22,236,597, plus strand): 5'-AAATAGCAGTCACATTAAAAGAACATTTTTGAACATAATATTTGGAAATTTCTATCTGAG[T>C]CCTTTAGTTCTTTTCTCATTTATAAAGTTTTGAAGCTGTAAAGAATTTAAATTACCTGCA-3'

ClinVar aggregate classification (germline): Benign (1 of 4 stars; one submission).

Allele frequency attached by ClinVar (database versions not stated): gnomAD 0.15054 and 0.15632; TOPMed 0.16890; 1000 Genomes Project 0.21206; 1000 Genomes Project 30x 0.21690.
gnomAD v4.1: 22,684 of 152,140 alleles (15%); highest among the groups gnomAD compares: African/African-American, 47%; 4,919 homozygotes.

Submission:

GeneDx
Classification: Benign. Last evaluated: 2018-06-18. Review status: criteria provided, single submitter. Criteria: GeneDx Variant Classification (06012015). Collection method: clinical testing. Allele origin: germline. Affected: yes.
Comment: This variant is considered likely benign or benign based on one or more of the following criteria: it is a conservative change, it occurs at a poorly conserved position in the protein, it is predicted to be benign by multiple in silico algorithms, and/or has population frequency not consistent with disease.